The following is an entry in ClinVar:

NM_203486.3(DLL3):c.923G>A (p.Arg308Gln)

Gene: DLL3 (delta like canonical Notch ligand 3; plus strand). Cytogenetic location: 19q13.2.
Variant type: single nucleotide variant.
Coding change: c.923G>A on transcript NM_203486.3 (MANE Select); coding-DNA position 923, G replaced by A.
Protein change: p.Arg308Gln; replaces arginine 308 with glutamine.
Molecular consequence: missense variant.
Genome position (GRCh38, 1-based): chr19:39,505,281, G>A. VCF-style: chr19-39505281-G-A. GRCh37 (hg19) VCF-style: chr19-39995921-G-A.
Other names: c.923G>A, p.Arg308Gln (NM_016941.4); c.923G>A (NM_016941.3); short protein forms R308Q.
Identifiers: ClinVar variation 1965999 (VCV001965999.3), dbSNP rs141671275, ClinGen allele CA9432313.

ClinVar aggregate classification (germline): Uncertain significance. Review status: criteria provided, multiple submitters, no conflicts (2 of 4 stars). 2 submissions from 2 submitters: Uncertain significance (2). Last evaluated 2023-10-14.

Conditions:
Inborn genetic diseases. Identifiers: MedGen C0950123, MeSH D030342.

Allele frequency attached by ClinVar (database versions not stated): gnomAD exomes below 0.00001; ExAC 0.00002; gnomAD 0.00004; TOPMed 0.00004; ESP Exome Variant Server 0.00015.

Submissions (2):

Ambry Genetics
Classification: Uncertain significance for Inborn genetic diseases. Last evaluated: 2023-10-14. Review status: criteria provided, single submitter. Criteria: Ambry Variant Classification Scheme 2023. Collection method: clinical testing. Allele origin: germline.

Labcorp Genetics (formerly Invitae), Labcorp
Classification: Uncertain significance. Last evaluated: 2022-03-13. Review status: criteria provided, single submitter. Criteria: Invitae Variant Classification Sherloc (09022015). Collection method: clinical testing. Allele origin: germline.
Comment: This sequence change replaces arginine, which is basic and polar, with glutamine, which is neutral and polar, at codon 308 of the DLL3 protein (p.Arg308Gln). This variant is present in population databases (rs141671275, gnomAD 0.0009%). This variant has not been reported in the literature in individuals affected with DLL3-related conditions. Algorithms developed to predict the effect of missense changes on protein structure and function output the following: SIFT: "Deleterious"; PolyPhen-2: "Probably Damaging"; Align-GVGD: "Class C0". The glutamine amino acid residue is found in multiple mammalian species, which suggests that this missense change does not adversely affect protein function. In summary, the available evidence is currently insufficient to determine the role of this variant in disease. Therefore, it has been classified as a Variant of Uncertain Significance.